The following is an entry in ClinVar:

ClinVar aggregate classification (germline): Uncertain significance. Review status: criteria provided, multiple submitters, no conflicts (2 of 4 stars). 2 submissions from 2 submitters: Uncertain significance (2). Last evaluated 2021-11-23.

Conditions:
Inborn genetic diseases. Identifiers: MedGen C0950123, MeSH D030342.

Allele frequency attached by ClinVar (database versions not stated): gnomAD exomes 0.00001 and 0.00006; ExAC 0.00002; TOPMed 0.00002; gnomAD 0.00004.
gnomAD v4.1: 28 of 1,614,060 alleles (0.0017%); highest among the groups gnomAD compares: Admixed American, 0.023%; no homozygotes.

Submissions (2):

Labcorp Genetics (formerly Invitae), Labcorp
Classification: Uncertain significance. Last evaluated: 2021-11-23. Review status: criteria provided, single submitter. Criteria: Invitae Variant Classification Sherloc (09022015). Collection method: clinical testing. Allele origin: germline.
Comment: This sequence change replaces histidine, which is basic and polar, with tyrosine, which is neutral and polar, at codon 1473 of the CAD protein (p.His1473Tyr). This variant is present in population databases (rs754306106, gnomAD 0.03%). This variant has not been reported in the literature in individuals affected with CAD-related conditions. Algorithms developed to predict the effect of missense changes on protein structure and function are either unavailable or do not agree on the potential impact of this missense change (SIFT: "Tolerated"; PolyPhen-2: "Possibly Damaging"; Align-GVGD: "Class C0"). In summary, the available evidence is currently insufficient to determine the role of this variant in disease. Therefore, it has been classified as a Variant of Uncertain Significance.

Ambry Genetics
Classification: Uncertain significance for Inborn genetic diseases. Last evaluated: 2021-07-13. Review status: criteria provided, single submitter. Criteria: Ambry Variant Classification Scheme 2023. Collection method: clinical testing. Allele origin: germline.

NM_004341.5(CAD):c.4417C>T (p.His1473Tyr)

Gene: CAD (carbamoyl-phosphate synthetase 2, aspartate transcarbamylase, and dihydroorotase; plus strand). Cytogenetic location: 2p23.3.
Variant type: single nucleotide variant.
Coding change: c.4417C>T on transcript NM_004341.5 (MANE Select); coding-DNA position 4417, C replaced by T.
Protein change: p.His1473Tyr; replaces histidine 1473 with tyrosine.
Molecular consequence: missense variant.
Genome position (GRCh38, 1-based): chr2:27,237,399, C>T. VCF-style: chr2-27237399-C-T. GRCh37 (hg19) VCF-style: chr2-27460267-C-T.
Other names: c.4228C>T, p.His1410Tyr (NM_001306079.2); c.4417C>T (NM_004341.3); short protein forms H1473Y, H1410Y.
Identifiers: ClinVar variation 1433873 (VCV001433873.4), dbSNP rs754306106, ClinGen allele CA1573524.